The following is an entry in ClinVar:

GRCh37/hg19 21q22.3(chr21:43687354-48097372)x3

Genes: ABCG1 (ATP binding cassette subfamily G member 1; plus strand), ADARB1 (adenosine deaminase RNA specific B1; plus strand), AGPAT3 (1-acylglycerol-3-phosphate O-acyltransferase 3; plus strand), AIRE (autoimmune regulator; plus strand), C21orf58 (chromosome 21 open reading frame 58; minus strand) and 69 more. Cytogenetic location: 21q22.3.
Variant type: copy number gain.
Change: copy number 3 (three copies instead of two) of chr21:43,687,354-48,097,372 (4.41 Mb, GRCh37 coordinates, 1-based), cytogenetic band 21q22.3.
Identifiers: ClinVar variation 2684917 (VCV002684917.1).

ClinVar aggregate classification (germline): Likely pathogenic (1 of 4 stars; one submission).

Submission:

Quest Diagnostics Nichols Institute San Juan Capistrano
Classification: Likely pathogenic. Last evaluated: 2023-05-06. Review status: criteria provided, single submitter. Criteria: ACMG/ClinGen CNV Guidelines, 2019. Collection method: clinical testing. Allele origin: unknown.
Comment: The 21q22.3qter gain involves numerous protein-coding genes, several of which are associated with autosomal dominant disorders. Based on the number of genes involved in this gain, this CNV is classified as likely pathogenic. References: Antonell et al., J Alzheimers Dis. 2012;28(2):303-8. PMID: 22008262 Hooli et al., Neurology. 2012 Apr 17;78(16):1250-7. PMID: 22491860 Kasuga et al., J Neurol Neurosurg Psychiatry. 2009 Sep;80(9):1050-2. PMID: 19684239 Lanoiselee et al., PLoS Med. 2017 Mar 28;14(3):e1002270. PMID: 28350801 Llado et al., Neurogenetics. 2014 May;15(2):145-9. PMID: 24691562 Pelleri et al., Mol Genet Genomic Med. 2019 Aug;7(8):e797. PMID: 31237416 Rovelet-Lecrux et al., Nat Genet. 2006 Jan;38(1):24-6. PMID: 16369530 Weisfeld-Adams et al., NPJ Genom Med. 2016;1:16003. PMID: 27840696